The following is an entry in ClinVar:

NM_000038.6(APC):c.7629G>T (p.Arg2543Ser)

Gene: APC (APC regulator of Wnt signaling pathway; plus strand). Cytogenetic location: 5q22.2.
Variant type: single nucleotide variant.
Coding change: c.7629G>T on transcript NM_000038.6 (MANE Select); coding-DNA position 7629, G replaced by T.
Protein change: p.Arg2543Ser; replaces arginine 2543 with serine.
Molecular consequence: missense variant.
Genome position (GRCh38, 1-based): chr5:112,843,223, G>T. VCF-style: chr5-112843223-G-T. GRCh37 (hg19) VCF-style: chr5-112178920-G-T.
Other names: c.7629G>T, p.Arg2543Ser (NM_001127510.3, NM_001354895.2); c.7575G>T, p.Arg2525Ser (NM_001127511.3); c.7683G>T, p.Arg2561Ser (NM_001354896.2); c.7659G>T, p.Arg2553Ser (NM_001354897.2); c.7554G>T, p.Arg2518Ser (NM_001354898.2); c.7545G>T, p.Arg2515Ser (NM_001354899.2); c.7506G>T, p.Arg2502Ser (NM_001354900.2); c.7452G>T, p.Arg2484Ser (NM_001354901.2); and 5 more; short protein forms R2260S, R2502S, R2515S, R2417S, R2442S, R2518S, R2525S, R2543S.
Identifiers: ClinVar variation 1443643 (VCV001443643.10), dbSNP rs780270498, ClinGen allele CA16037902.

ClinVar aggregate classification (germline): Uncertain significance. Review status: criteria provided, multiple submitters, no conflicts (2 of 4 stars). 2 submissions from 2 submitters: Uncertain significance (2). Last evaluated 2022-04-07.

Conditions:
Hereditary cancer-predisposing syndrome. Also called: Tumor predisposition; Hereditary Cancer Syndrome; Hereditary neoplastic syndrome; Neoplastic Syndromes, Hereditary. Identifiers: Orphanet 140162, MedGen C0027672, MeSH D009386, MONDO:0015356.
Familial adenomatous polyposis 1 (FAP1). Also called: FAMILIAL ADENOMATOUS POLYPOSIS 1, ATTENUATED; POLYPOSIS, ADENOMATOUS INTESTINAL. Identifiers: MedGen C2713442, MONDO:0021056, OMIM 175100. Disease mechanism: loss of function.

gnomAD v4.1: 1 of 1,613,856 alleles (0.000062%); highest among the groups gnomAD compares: East Asian, 0.0022%; no homozygotes.

Submissions (2):

Ambry Genetics
Classification: Uncertain significance for Hereditary cancer-predisposing syndrome. Last evaluated: 2022-04-07. Review status: criteria provided, single submitter. Criteria: Ambry Variant Classification Scheme 2023. Collection method: clinical testing. Allele origin: germline.
Comment: The p.R2543S variant (also known as c.7629G>T), located in coding exon 15 of the APC gene, results from a G to T substitution at nucleotide position 7629. The arginine at codon 2543 is replaced by serine, an amino acid with dissimilar properties. This amino acid position is conserved. In addition, in silico predictors for this gene do not accurately predict pathogenicity. Since supporting evidence is limited at this time, the clinical significance of this alteration remains unclear.

Labcorp Genetics (formerly Invitae), Labcorp
Classification: Uncertain significance for Familial adenomatous polyposis 1. Last evaluated: 2021-07-01. Review status: criteria provided, single submitter. Criteria: Invitae Variant Classification Sherloc (09022015). Collection method: clinical testing. Allele origin: germline.
Comment: In summary, the available evidence is currently insufficient to determine the role of this variant in disease. Therefore, it has been classified as a Variant of Uncertain Significance. Algorithms developed to predict the effect of missense changes on protein structure and function are either unavailable or do not agree on the potential impact of this missense change (SIFT: "Deleterious"; PolyPhen-2: "Probably Damaging"; Align-GVGD: "Class C0"). This variant has not been reported in the literature in individuals affected with APC-related conditions. This variant is not present in population databases (ExAC no frequency). This sequence change replaces arginine with serine at codon 2543 of the APC protein (p.Arg2543Ser). The arginine residue is highly conserved and there is a moderate physicochemical difference between arginine and serine.